The following is an entry in ClinVar:

NM_000318.3(PEX2):c.344G>C (p.Trp115Ser)

Gene: PEX2 (peroxisomal biogenesis factor 2; minus strand). Cytogenetic location: 8q21.13.
Variant type: single nucleotide variant.
Coding change: c.344G>C on transcript NM_000318.3 (MANE Select); coding-DNA position 344, G replaced by C.
Protein change: p.Trp115Ser; replaces tryptophan 115 with serine.
Molecular consequence: missense variant.
Genome position (GRCh38, 1-based): chr8:76,983,835, C>G on the plus strand (G>C on the coding strand, the complement: PEX2 is on the minus strand). VCF-style: chr8-76983835-C-G. GRCh37 (hg19) VCF-style: chr8-77896071-C-G.
Other names: c.344G>C, p.Trp115Ser (NM_001079867.2, NM_001172086.2, NM_001172087.2); short protein forms W115S.
Identifiers: ClinVar variation 1980762 (VCV001980762.2), dbSNP rs749021234, ClinGen allele CA4788728.

ClinVar aggregate classification (germline): Uncertain significance (1 of 4 stars; one submission).

Conditions:
Peroxisome biogenesis disorder 5A (Zellweger) (PBD5A). Identifiers: Orphanet 912, MedGen C3553940, MONDO:0013932, OMIM 614866.

gnomAD v4.1: 1 of 1,614,068 alleles (0.000062%); highest among the groups gnomAD compares: Non-Finnish European, 0.000085%; no homozygotes.

Submission:

Labcorp Genetics (formerly Invitae), Labcorp
Classification: Uncertain significance for Peroxisome biogenesis disorder 5A (Zellweger). Last evaluated: 2024-03-01. Review status: criteria provided, single submitter. Criteria: Invitae Variant Classification Sherloc (09022015). Collection method: clinical testing. Allele origin: germline.
Comment: This sequence change replaces tryptophan, which is neutral and slightly polar, with serine, which is neutral and polar, at codon 115 of the PEX2 protein (p.Trp115Ser). This variant is present in population databases (rs749021234, gnomAD 0.004%). This variant has not been reported in the literature in individuals affected with PEX2-related conditions. ClinVar contains an entry for this variant (Variation ID: 1980762). Advanced modeling of protein sequence and biophysical properties (such as structural, functional, and spatial information, amino acid conservation, physicochemical variation, residue mobility, and thermodynamic stability) performed at Invitae indicates that this missense variant is expected to disrupt PEX2 protein function with a positive predictive value of 80%. In summary, the available evidence is currently insufficient to determine the role of this variant in disease. Therefore, it has been classified as a Variant of Uncertain Significance.